The following is an entry in ClinVar:

NM_001349253.2(SCN11A):c.3636C>T (p.Asp1212=)

Genes: SCN11A (sodium voltage-gated channel alpha subunit 11; minus strand), LOC126806652 (CDK7 strongly-dependent group 2 enhancer GRCh37_chr3:38912374-38913573; plus strand). Cytogenetic location: 3p22.2.
Variant type: single nucleotide variant.
Coding change: c.3636C>T on transcript NM_001349253.2 (MANE Select); coding-DNA position 3636, C replaced by T.
Protein change: p.Asp1212=; no amino-acid change (aspartic acid 1212 retained).
Molecular consequence: synonymous variant.
Genome position (GRCh38, 1-based): chr3:38,871,568, G>A on the plus strand (C>T on the coding strand, the complement: SCN11A is on the minus strand). VCF-style: chr3-38871568-G-A. GRCh37 (hg19) VCF-style: chr3-38913059-G-A.
Other names: c.3636C>T, p.Asp1212= (NM_014139.3); c.3636C>T (NM_014139.2).
Identifiers: ClinVar variation 2049299 (VCV002049299.6), dbSNP rs753779397, ClinGen allele CA2321744.
Genomic context (GRCh38, chr3:38,871,568, plus strand): 5'-AGAGAAATTGCCACTTTCACATTGACTTTTATTTGTAATGATGGTATAATTTATAACTGA[G>A]TCTGTTCCATTAATGCATTTCCCAAATTTTCCAGAAAAGAAGTATACTCCCAGAATACAA-3'
Protein context (NP_001336182.1, residues 1202-1222): GKFGKCINGT[Asp1212=]SVINYTIITN

ClinVar aggregate classification (germline): Likely benign. Review status: criteria provided, single submitter (1 of 4 stars). 2 submissions from 2 submitters: Likely benign (1). 1 of the submissions does not count toward it. Last evaluated 2022-09-06.

Conditions:
SCN11A-related disorder. Also called: SCN11A-related condition.
Hereditary sensory and autonomic neuropathy type 7. Also called: Neuropathy, hereditary sensory and autonomic, type VII; HSAN VII. Identifiers: Orphanet 391397, MedGen C3809882, MONDO:0014244, OMIM 615548.
Familial episodic pain syndrome with predominantly lower limb involvement. Also called: Episodic pain syndrome, familial, 3. Identifiers: Orphanet 391384, Orphanet 391392, MedGen C3809899, MONDO:0014247, OMIM 615552.

Allele frequency attached by ClinVar (database versions not stated): gnomAD exomes below 0.00001; ExAC 0.00002; gnomAD 0.00003; TOPMed 0.00003.
gnomAD v4.1: 8 of 1,612,884 alleles (0.0005%); highest among the groups gnomAD compares: African/African-American, 0.0053%; no homozygotes.

Submissions (2):

Labcorp Genetics (formerly Invitae), Labcorp
Classification: Likely benign for Familial episodic pain syndrome with predominantly lower limb involvement; Hereditary sensory and autonomic neuropathy type 7. Last evaluated: 2022-09-06. Review status: criteria provided, single submitter. Criteria: Invitae Variant Classification Sherloc (09022015). Collection method: clinical testing. Allele origin: germline.

PreventionGenetics, part of Exact Sciences
Classification: Likely benign for SCN11A-related condition. Last evaluated: 2020-01-02. Review status: no assertion criteria provided. Collection method: clinical testing. Allele origin: germline. Not counted in ClinVar's aggregate classification.
Comment: This variant is classified as likely benign based on ACMG/AMP sequence variant interpretation guidelines (Richards et al. 2015 PMID: 25741868, with internal and published modifications).